The following is an entry in ClinVar:

ClinVar aggregate classification (germline): Uncertain significance. Review status: criteria provided, multiple submitters, no conflicts (2 of 4 stars). 3 submissions from 3 submitters: Uncertain significance (3). Last evaluated 2025-05-19.

Conditions:
Inborn genetic diseases. Identifiers: MedGen C0950123, MeSH D030342.
Autosomal recessive congenital ichthyosis 3 (ARCI3). Also called: ICHTHYOSIS, LAMELLAR, 5. Identifiers: MedGen C3539888, MONDO:0011680, OMIM 606545.

Allele frequency attached by ClinVar (database versions not stated): gnomAD 0.00008 and 0.00009; TOPMed 0.00008; ExAC 0.00009; gnomAD exomes 0.00009 and 0.00011.
gnomAD v4.1: 142 of 1,613,922 alleles (0.0088%); highest among the groups gnomAD compares: Admixed American, 0.05%; no homozygotes.

Submissions (3):

Ambry Genetics
Classification: Uncertain significance for Inborn genetic diseases. Last evaluated: 2025-05-19. Review status: criteria provided, single submitter. Criteria: Ambry Variant Classification Scheme 2023. Collection method: clinical testing. Allele origin: germline.

3billion
Classification: Uncertain significance for Autosomal recessive congenital ichthyosis 3. Last evaluated: 2024-09-15. Review status: criteria provided, single submitter. Criteria: ACMG Guidelines, 2015. Collection method: clinical testing. Allele origin: germline. Affected: yes.
Comment: The variant is observed at an extremely low frequency in the gnomAD v4.0.0 dataset (total allele frequency: 0.009%). Predicted Consequence/Location: Missense variant In silico tool predictions suggest no damaging effect of the variant on gene or gene product [REVEL: 0.35 (<0.4); 3Cnet: 0.00 (<0.15, specificity 0.78 and negative predictive value 0.92)]. The variant has been reported as of uncertain significance (ClinVar ID: VCV000890291). Therefore, this variant is classified as VUS according to the recommendation of ACMG/AMP guideline.

Illumina Laboratory Services, Illumina
Classification: Uncertain significance for Autosomal recessive congenital ichthyosis 3. Last evaluated: 2018-01-13. Review status: criteria provided, single submitter. Criteria: ICSL Variant Classification Criteria 13 December 2019. Collection method: clinical testing. Allele origin: germline.

NM_021628.3(ALOXE3):c.412C>T (p.Arg138Trp)

Gene: ALOXE3 (arachidonate epidermal lipoxygenase 3; minus strand). Cytogenetic location: 17p13.1.
Variant type: single nucleotide variant.
Coding change: c.412C>T on transcript NM_021628.3 (MANE Select); coding-DNA position 412, C replaced by T.
Protein change: p.Arg138Trp; replaces arginine 138 with tryptophan.
Molecular consequence: missense variant.
Genome position (GRCh38, 1-based): chr17:8,115,629, G>A on the plus strand (C>T on the coding strand, the complement: ALOXE3 is on the minus strand). VCF-style: chr17-8115629-G-A. GRCh37 (hg19) VCF-style: chr17-8018947-G-A.
Other names: c.808C>T, p.Arg270Trp (NM_001165960.1); c.412C>T, p.Arg138Trp (NM_001369446.1); short protein forms R138W, R270W.
Identifiers: ClinVar variation 890291 (VCV000890291.6), dbSNP rs765090449, ClinGen allele CA8368439.